The following is an entry in ClinVar:

ClinVar aggregate classification (germline): Pathogenic. Review status: criteria provided, multiple submitters, no conflicts (2 of 4 stars). 3 submissions from 3 submitters: Pathogenic (3). Last evaluated 2026-05-22.

Conditions:
Hereditary cancer-predisposing syndrome. Also called: Hereditary Cancer Syndrome; Hereditary neoplastic syndrome; Neoplastic Syndromes, Hereditary; Tumor predisposition. Identifiers: Orphanet 140162, MedGen C0027672, MeSH D009386, MONDO:0015356.
Familial cancer of breast. Also called: hereditary breast carcinoma; BREAST CANCER, FAMILIAL; Hereditary breast cancer. Identifiers: Orphanet 227535, MedGen C0346153, MONDO:0016419, OMIM 114480. Disease mechanism: loss of function.
Ataxia-telangiectasia syndrome (AT). Also called: Ataxia-telangiectasia, complementation group D; AT, COMPLEMENTATION GROUP C; LOUIS-BAR SYNDROME; Cerebello-oculocutaneous telangiectasia; Immunodeficiency with ataxia telangiectasia; ATAXIA-TELANGIECTASIA, COMPLEMENTATION GROUP A. Identifiers: Orphanet 100, MedGen C0004135, MONDO:0008840, OMIM 208900.

Submissions (3):

Ambry Genetics
Classification: Pathogenic for Hereditary cancer-predisposing syndrome. Last evaluated: 2026-05-22. Review status: criteria provided, single submitter. Criteria: Ambry Variant Classification Scheme 2023. Collection method: clinical testing. Allele origin: germline.
Comment: The c.5653delA pathogenic mutation, located in coding exon 36 of the ATM gene, results from a deletion of one nucleotide at nucleotide position 5653, causing a translational frameshift with a predicted alternate stop codon (p.T1885Pfs*32). This variant has been identified in the homozygous state and/or in conjunction with other variant(s) in this same gene in individual(s) with features consistent with ataxia telangiectasia and segregated with disease in at least one family (Alterman N et al. Am J Med Genet A, 2007 Aug;143A:1827-34). This variant is considered to be rare based on population cohorts in the Genome Aggregation Database (gnomAD). This alteration is expected to result in loss of function by premature protein truncation or nonsense-mediated mRNA decay. As such, this alteration is interpreted as a disease-causing mutation.

Myriad Genetics, Inc.
Classification: Pathogenic for Familial cancer of breast. Last evaluated: 2024-12-10. Review status: criteria provided, single submitter. Criteria: Myriad Autosomal Dominant, Autosomal Recessive and X-Linked Classification Criteria (2023). Collection method: clinical testing. Allele origin: unknown.
Comment: This variant is considered pathogenic. This variant creates a frameshift predicted to result in premature protein truncation.

Labcorp Genetics (formerly Invitae), Labcorp
Classification: Pathogenic for Ataxia-telangiectasia syndrome. Last evaluated: 2024-07-09. Review status: criteria provided, single submitter. Criteria: Invitae Variant Classification Sherloc (09022015). Collection method: clinical testing. Allele origin: germline.
Comment: This sequence change creates a premature translational stop signal (p.Thr1885Profs*32) in the ATM gene. It is expected to result in an absent or disrupted protein product. Loss-of-function variants in ATM are known to be pathogenic (PMID: 23807571, 25614872). This variant is not present in population databases (gnomAD no frequency). This premature translational stop signal has been observed in individual(s) with ataxia telangiectasia (PMID: 17632790). It has also been observed to segregate with disease in related individuals. For these reasons, this variant has been classified as Pathogenic.

Literature cited by the submitters: PubMed 17632790 (cited by Ambry Genetics and Labcorp Genetics (formerly Invitae), Labcorp); PubMed 23807571 (cited by Labcorp Genetics (formerly Invitae), Labcorp); PubMed 25614872 (cited by Labcorp Genetics (formerly Invitae), Labcorp).

NM_000051.4(ATM):c.5653del (p.Thr1885fs)

Gene: ATM (ATM serine/threonine kinase; plus strand). Cytogenetic location: 11q22.3.
Variant type: Deletion.
Coding change: c.5653del on transcript NM_000051.4 (MANE Select); coding-DNA position 5653, one base deleted (A; older notation c.5653delA).
Protein change: p.Thr1885fs; shifts the reading frame from threonine 1885.
Molecular consequence: frameshift variant.
Genome position (GRCh38, 1-based): chr11:108,304,831, A deleted; the last of 2 consecutive A bases (chr11:108,304,830-108,304,831); deleting either gives the same sequence. VCF-style (leftmost placement, unchanged base first): chr11-108304829-CA-C. GRCh37 (hg19) VCF-style: chr11-108175556-CA-C.
Other names: c.5653del, p.Thr1885fs (NM_001351834.2); short protein forms T1885fs.
Identifiers: ClinVar variation 3721088 (VCV003721088.4).